The following is an entry in ClinVar:

NM_001035.3(RYR2):c.10726-296G>T

Gene: RYR2 (ryanodine receptor 2; plus strand). Cytogenetic location: 1q43.
Variant type: single nucleotide variant.
Coding change: c.10726-296G>T on transcript NM_001035.3 (MANE Select); 296 bases into the intron before coding-DNA position 10726, G replaced by T.
Molecular consequence: intron variant.
Genome position (GRCh38, 1-based): chr1:237,726,791, G>T. VCF-style: chr1-237726791-G-T. GRCh37 (hg19) VCF-style: chr1-237890091-G-T.
Identifiers: ClinVar variation 683795 (VCV000683795.1), dbSNP rs74149914, ClinGen allele CA15122046.
Genomic context (GRCh38, chr1:237,726,791, plus strand): 5'-CAAAGAAAATTTTGAGAAGGAGATAAAATGATTTTATATGGAATGATTTTCTATTTCTTT[G>T]ATTTTAGAGGTGACATAGCTTTGAAGTACACAGTATTGGGAAAATGTGATATTCTTACTA-3'

ClinVar aggregate classification (germline): Benign (1 of 4 stars; one submission).

Allele frequency attached by ClinVar (database versions not stated): gnomAD 0.05145 and 0.05518; 1000 Genomes Project 0.05911; TOPMed 0.05911; 1000 Genomes Project 30x 0.06465.
gnomAD v4.1: 7,739 of 152,084 alleles (5.1%); highest among the groups gnomAD compares: African/African-American, 18%; 625 homozygotes.

Submission:

GeneDx
Classification: Benign. Last evaluated: 2018-06-14. Review status: criteria provided, single submitter. Criteria: GeneDx Variant Classification (06012015). Collection method: clinical testing. Allele origin: germline. Affected: yes.
Comment: This variant is considered likely benign or benign based on one or more of the following criteria: it is a conservative change, it occurs at a poorly conserved position in the protein, it is predicted to be benign by multiple in silico algorithms, and/or has population frequency not consistent with disease.